The following is an entry in ClinVar:

ClinVar aggregate classification (germline): Uncertain significance (1 of 4 stars; one submission).

Conditions:
Hermansky-Pudlak syndrome 2 (HPS2). Also called: Platelet defects and oculocutaneous albinism. Identifiers: Orphanet 183678, Orphanet 79430, MedGen C1842362, MONDO:0011997, OMIM 608233.

Submission:

Labcorp Genetics (formerly Invitae), Labcorp
Classification: Uncertain significance for Hermansky-Pudlak syndrome 2. Last evaluated: 2024-05-22. Review status: criteria provided, single submitter. Criteria: Invitae Variant Classification Sherloc (09022015). Collection method: clinical testing. Allele origin: germline.
Comment: This sequence change replaces valine, which is neutral and non-polar, with methionine, which is neutral and non-polar, at codon 315 of the AP3B1 protein (p.Val315Met). This variant is not present in population databases (gnomAD no frequency). This variant has not been reported in the literature in individuals affected with AP3B1-related conditions. An algorithm developed to predict the effect of missense changes on protein structure and function (PolyPhen-2) suggests that this variant is likely to be disruptive. In summary, the available evidence is currently insufficient to determine the role of this variant in disease. Therefore, it has been classified as a Variant of Uncertain Significance.

NM_003664.5(AP3B1):c.943G>A (p.Val315Met)

Gene: AP3B1 (adaptor related protein complex 3 subunit beta 1; minus strand). Cytogenetic location: 5q14.1.
Variant type: single nucleotide variant.
Coding change: c.943G>A on transcript NM_003664.5 (MANE Select); coding-DNA position 943, G replaced by A.
Protein change: p.Val315Met; replaces valine 315 with methionine.
Molecular consequence: missense variant.
Genome position (GRCh38, 1-based): chr5:78,177,436, C>T on the plus strand (G>A on the coding strand, the complement: AP3B1 is on the minus strand). VCF-style: chr5-78177436-C-T. GRCh37 (hg19) VCF-style: chr5-77473260-C-T.
Other names: c.796G>A, p.Val266Met (NM_001271769.2); c.943G>A, p.Val315Met (NM_001410752.1); short protein forms V315M, V266M.
Identifiers: ClinVar variation 3654281 (VCV003654281.2).